The following is an entry in ClinVar:

NM_001113378.2(FANCI):c.3677C>T (p.Thr1226Met)

Gene: FANCI (FA complementation group I; plus strand). Cytogenetic location: 15q26.1.
Variant type: single nucleotide variant.
Coding change: c.3677C>T on transcript NM_001113378.2 (MANE Select); coding-DNA position 3677, C replaced by T.
Protein change: p.Thr1226Met; replaces threonine 1226 with methionine.
Molecular consequence: missense variant.
Genome position (GRCh38, 1-based): chr15:89,312,929, C>T. VCF-style: chr15-89312929-C-T. GRCh37 (hg19) VCF-style: chr15-89856160-C-T.
Other names: c.3398C>T, p.Thr1133Met (NM_001376910.1); c.3677C>T, p.Thr1226Met (NM_001376911.1); c.3497C>T, p.Thr1166Met (NM_018193.3); short protein forms T1226M, T1166M, T1133M.
Identifiers: ClinVar variation 647527 (VCV000647527.10), dbSNP rs367665900, ClinGen allele CA7723835.
Genomic context (GRCh38, chr15:89,312,929, plus strand): 5'-ATCAGGAATAAGAGAATGTGTTTCTATTTCTTTAGAATAAGAGTAAGAGCCTGAACTATA[C>T]GGGAGAGAAAAAGGAGAAACCTGCTGCCGTTGCCACAGCCATGGTAAGCTGCTGACACTG-3'
Protein context (NP_001106849.1, residues 1216-1236): VQNKSKSLNY[Thr1226Met]GEKKEKPAAV

ClinVar aggregate classification (germline): Uncertain significance. Review status: criteria provided, multiple submitters, no conflicts (2 of 4 stars). 3 submissions from 3 submitters: Uncertain significance (3). Last evaluated 2024-12-31.

Conditions:
Fanconi anemia (FA). Also called: Fanconi's anemia. Identifiers: Orphanet 84, MedGen C0015625, MeSH D005199, MONDO:0019391.

Allele frequency attached by ClinVar (database versions not stated): ExAC 0.00004; gnomAD 0.00004 and 0.00005; TOPMed 0.00006; ESP Exome Variant Server 0.00008.
gnomAD v4.1: 90 of 1,613,110 alleles (0.0056%); highest among the groups gnomAD compares: African/African-American, 0.016%; no homozygotes.

Submissions (3):

Labcorp Genetics (formerly Invitae), Labcorp
Classification: Uncertain significance for Fanconi anemia. Last evaluated: 2024-12-31. Review status: criteria provided, single submitter. Criteria: Invitae Variant Classification Sherloc (09022015). Collection method: clinical testing. Allele origin: germline.
Comment: This sequence change replaces threonine, which is neutral and polar, with methionine, which is neutral and non-polar, at codon 1226 of the FANCI protein (p.Thr1226Met). This variant is present in population databases (rs367665900, gnomAD 0.02%). This variant has not been reported in the literature in individuals affected with FANCI-related conditions. ClinVar contains an entry for this variant (Variation ID: 647527). An algorithm developed to predict the effect of missense changes on protein structure and function (PolyPhen-2) suggests that this variant¬†is likely to be tolerated. In summary, the available evidence is currently insufficient to determine the role of this variant in disease. Therefore, it has been classified as a Variant of Uncertain Significance.

Blueprint Genetics
Classification: Uncertain significance. Last evaluated: 2024-11-01. Review status: criteria provided, single submitter. Criteria: ACMG Guidelines, 2015. Collection method: clinical testing. Allele origin: germline.

Genetic Services Laboratory, University of Chicago
Classification: Uncertain significance. Last evaluated: 2023-02-16. Review status: criteria provided, single submitter. Criteria: ACMG Guidelines, 2015. Collection method: clinical testing. Allele origin: germline. Affected: no.
Comment: DNA sequence analysis of the FANCI gene demonstrated a sequence change, c.3677C>T, in exon 35 that results in an amino acid change, p.Thr1226Met. This sequence change does not appear to have been previously described in individuals with FANCI-related disorders. This sequence change has been described in the gnomAD database with a frequency of 0.006% in the overall population (dbSNP rs367665900). The p.Thr1226Met change affects a poorly conserved amino acid residue located in a domain of the FANCI protein that is not known to be functional. In-silico pathogenicity prediction tools (SIFT, PolyPhen2, Align GVGD, REVEL) provide contradictory results for the p.Thr1226Met substitution. Due to insufficient evidence and the lack of functional studies, the clinical significance of the p.Thr1226Met change remains unknown at this time.